The following is an entry in ClinVar:

ClinVar aggregate classification (germline): Conflicting classifications of pathogenicity. Review status: criteria provided, conflicting classifications (1 of 4 stars). 11 submissions from 11 submitters: Uncertain significance (1); Benign (8). 2 of the submissions do not count toward it. Last evaluated 2026-02-02.

Conditions:
COL4A5-related disorder. Also called: COL4A5-related condition.
Kidney disorder. Also called: Kidney disease; Kidney Diseases; Nephropathy; renal disorder; renal disease. Identifiers: MedGen C0022658, MONDO:0005240, HP:0000112.
X-linked Alport syndrome (ATS1). Also called: COL4A5-Related Nephropathy; NEPHROPATHY AND DEAFNESS, X-LINKED. Identifiers: Orphanet 63, Orphanet 88917, MedGen C4746986, MONDO:0010520, OMIM 301050.

Allele frequency attached by ClinVar (database versions not stated): ESP Exome Variant Server 0.00019; gnomAD 0.00119 and 0.00160; TOPMed 0.00146; ExAC 0.00341; gnomAD exomes 0.00360; 1000 Genomes Project 30x 0.00749; 1000 Genomes Project 0.00795.
gnomAD v4.1: 1,324 of 1,209,432 alleles (0.11%); highest among the groups gnomAD compares: East Asian, 2.4%; 8 homozygotes.

Submissions (11):

Labcorp Genetics (formerly Invitae), Labcorp
Classification: Benign. Last evaluated: 2026-02-02. Review status: criteria provided, single submitter. Criteria: Invitae Variant Classification Sherloc (09022015). Collection method: clinical testing. Allele origin: germline.

Mendelics
Classification: Benign for X-linked Alport syndrome. Last evaluated: 2023-08-22. Review status: criteria provided, single submitter. Criteria: Mendelics Assertion Criteria 2019. Collection method: clinical testing. Allele origin: germline.

Genome Diagnostics Laboratory, The Hospital for Sick Children
Classification: Benign for Kidney disorder. Last evaluated: 2021-06-24. Review status: criteria provided, single submitter. Criteria: ACMG Guidelines, 2015. Collection method: clinical testing. Allele origin: germline.

Genome-Nilou Lab
Classification: Benign for X-linked Alport syndrome. Last evaluated: 2021-05-18. Review status: criteria provided, single submitter. Criteria: ACMG Guidelines, 2015. Collection method: clinical testing. Allele origin: germline. Affected: no.

Athena Diagnostics
Classification: Benign. Last evaluated: 2019-10-28. Review status: criteria provided, single submitter. Criteria: Athena Diagnostics Criteria. Collection method: clinical testing. Allele origin: unknown.

GeneDx
Classification: Benign. Last evaluated: 2019-09-12. Review status: criteria provided, single submitter. Criteria: GeneDx Variant Classification Process June 2021. Collection method: clinical testing. Allele origin: germline. Affected: yes.
Comment: This variant is associated with the following publications: (PMID: 22995991, 28827396, 30577881, 30367527, 25739341, 23967202, 8940267, 30245029, 31138263, 28476686, 31180159, 32038292)

Laboratory for Molecular Medicine, Mass General Brigham Personalized Medicine
Classification: Benign. Last evaluated: 2017-12-21. Review status: criteria provided, single submitter. Criteria: LMM Criteria. Collection method: clinical testing. Allele origin: germline. Observed: 1 variant allele.
Comment: p.Gly953Val in exon 33 of COL4A5: This variant is not expected to have clinica l significance, because it has been identified in 3.7% (513/13865) of East Asian chromosomes including 7 homozygotes by the Genome Aggregation Database (gnomAD; dbSNP rs104886203, rs78972735). Although it has been reported in several individuals with Alport syndrome or hearing loss, 2 individuals with Alport syndrome had another COL4A5 variant in cis with this va riant, and one individual was reported to have polycystic kidney disease with no additional clinical features of Alport syndrome (Knebelmann 1996, Lennon 2015, Miao 2017, Miyagawa 2013, Nishio 2015, Randles 2016, Tan 2010). In summary, it s frequency is too high to be causative for Alport syndrome. ACMG/AMP criteria a pplied: BA1

Eurofins Ntd Llc (ga)
Classification: Benign. Last evaluated: 2016-12-13. Review status: criteria provided, single submitter. Criteria: EGL Classification Definitions 2015. Collection method: clinical testing. Allele origin: germline. Observed: 2 variant alleles, 1 heterozygote, 1 hemizygote.

Soonchunhyang University Bucheon Hospital, Soonchunhyang University Medical Center
Classification: Uncertain significance for X-linked Alport syndrome. Last evaluated: 2016-03-18. Review status: criteria provided, single submitter. Criteria: ACMG Guidelines, 2015. Collection method: reference population. Allele origin: germline.

PreventionGenetics, part of Exact Sciences
Classification: Benign for COL4A5-related condition. Last evaluated: 2022-06-20. Review status: no assertion criteria provided. Collection method: clinical testing. Allele origin: germline. Not counted in ClinVar's aggregate classification.
Comment: This variant is classified as benign based on ACMG/AMP sequence variant interpretation guidelines (Richards et al. 2015 PMID: 25741868, with internal and published modifications).

Natera, Inc.
Classification: Benign for X-linked Alport syndrome. Last evaluated: 2020-07-16. Review status: no assertion criteria provided. Collection method: clinical testing. Allele origin: germline. Not counted in ClinVar's aggregate classification.

Literature cited by the submitters: PubMed 23967202 (cited by Athena Diagnostics and Laboratory for Molecular Medicine, Mass General Brigham Personalized Medicine); PubMed 15780079 (cited by Athena Diagnostics); PubMed 25739341 (cited by Athena Diagnostics and Laboratory for Molecular Medicine, Mass General Brigham Personalized Medicine); PubMed 28827396 (cited by Athena Diagnostics and Laboratory for Molecular Medicine, Mass General Brigham Personalized Medicine); PubMed 19965530 (cited by Athena Diagnostics and Laboratory for Molecular Medicine, Mass General Brigham Personalized Medicine); PubMed 25788563 (cited by Athena Diagnostics and Laboratory for Molecular Medicine, Mass General Brigham Personalized Medicine); PubMed 22995991 (cited by Athena Diagnostics and Laboratory for Molecular Medicine, Mass General Brigham Personalized Medicine); PubMed 27725732 (cited by Athena Diagnostics and Laboratory for Molecular Medicine, Mass General Brigham Personalized Medicine); PubMed 22921432 (cited by Athena Diagnostics); PubMed 27627812 (cited by Athena Diagnostics); PubMed 25575550 (cited by Athena Diagnostics); PubMed 18343956 (cited by Athena Diagnostics); PubMed 10561141 (cited by Athena Diagnostics); PubMed 8940267 (cited by 3 submitters); PubMed 31576025 (cited by Athena Diagnostics); PubMed 30577881 (cited by Athena Diagnostics); PubMed 31138263 (cited by Athena Diagnostics).

NM_033380.3(COL4A5):c.2858G>T (p.Gly953Val)

Gene: COL4A5 (collagen type IV alpha 5 chain; plus strand). Cytogenetic location: Xq22.3.
Variant type: single nucleotide variant.
Coding change: c.2858G>T on transcript NM_033380.3 (MANE Select); coding-DNA position 2858, G replaced by T.
Protein change: p.Gly953Val; replaces glycine 953 with valine.
Molecular consequence: missense variant.
Genome position (GRCh38, 1-based): chrX:108,622,766, G>T. VCF-style: chrX-108622766-G-T. GRCh37 (hg19) VCF-style: chrX-107865996-G-T.
Other names: c.2858G>T, p.Gly953Val (NM_000495.5); short protein forms G953V.
Identifiers: ClinVar variation 24573 (VCV000024573.32), dbSNP rs78972735, ClinGen allele CA258777.